The following is an entry in ClinVar:

ClinVar aggregate classification (germline): Uncertain significance. Review status: criteria provided, multiple submitters, no conflicts (2 of 4 stars). 2 submissions from 2 submitters: Uncertain significance (2). Last evaluated 2022-09-28.

Conditions:
Dilated cardiomyopathy 1R (CMD1R). Identifiers: Orphanet 154, Orphanet 54260, MedGen C3150681, MONDO:0013261, OMIM 613424.
Hypertrophic cardiomyopathy 11. Also called: ACTC1-Related Familial Hypertrophic Cardiomyopathy. Identifiers: MedGen C2677506, MONDO:0012799, OMIM 612098.
Atrial septal defect 5 (ASD5). Identifiers: Orphanet 1478, MedGen C2748552, MONDO:0013011, OMIM 612794.

Submissions (2):

Blueprint Genetics
Classification: Uncertain significance. Last evaluated: 2022-09-28. Review status: criteria provided, single submitter. Criteria: ACMG Guidelines, 2015. Collection method: clinical testing. Allele origin: germline.

Labcorp Genetics (formerly Invitae), Labcorp
Classification: Uncertain significance for Dilated cardiomyopathy 1R; Hypertrophic cardiomyopathy 11; Atrial septal defect 5. Last evaluated: 2017-06-01. Review status: criteria provided, single submitter. Criteria: Invitae Variant Classification Sherloc (09022015). Collection method: clinical testing. Allele origin: germline.
Comment: This sequence change replaces isoleucine with threonine at codon 153 of the ACTC1 protein (p.Ile153Thr). The isoleucine residue is highly conserved and there is a moderate physicochemical difference between isoleucine and threonine. This variant is not present in population databases (ExAC no frequency). This variant has not been reported in the literature in individuals with a ACTC1-related disease. Algorithms developed to predict the effect of missense changes on protein structure and function do not agree on the potential impact of this missense change (SIFT: "Deleterious"; PolyPhen-2: "Benign"; Align-GVGD: "Class C65"). In summary, this variant has uncertain impact on ACTC1 function. The available evidence is currently insufficient to determine its role in disease. Therefore, it has been classified as a Variant of Uncertain Significance.

NM_005159.5(ACTC1):c.458T>C (p.Ile153Thr)

Genes: ACTC1 (actin alpha cardiac muscle 1; minus strand), GJD2-DT (GJD2 divergent transcript; plus strand). Cytogenetic location: 15q14.
Variant type: single nucleotide variant.
Coding change: c.458T>C on transcript NM_005159.5 (MANE Select); coding-DNA position 458, T replaced by C.
Protein change: p.Ile153Thr; replaces isoleucine 153 with threonine.
Molecular consequence: missense variant.
Genome position (GRCh38, 1-based): chr15:34,792,566, A>G on the plus strand (T>C on the coding strand, the complement: ACTC1 is on the minus strand). VCF-style: chr15-34792566-A-G. GRCh37 (hg19) VCF-style: chr15-35084767-A-G.
Other names: c.458T>C (LRG_388t1); short protein forms I153T.
Identifiers: ClinVar variation 487204 (VCV000487204.2), dbSNP rs1555418843, ClinGen allele CA391631182.